The following is an entry in ClinVar:

NM_017612.5(ZCCHC8):c.2108A>G (p.Lys703Arg)

Gene: ZCCHC8 (zinc finger CCHC-type containing 8; minus strand). Cytogenetic location: 12q24.31.
Variant type: single nucleotide variant.
Coding change: c.2108A>G on transcript NM_017612.5 (MANE Select); coding-DNA position 2108, A replaced by G.
Protein change: p.Lys703Arg; replaces lysine 703 with arginine.
Molecular consequence: missense variant.
Genome position (GRCh38, 1-based): chr12:122,473,513, T>C on the plus strand (A>G on the coding strand, the complement: ZCCHC8 is on the minus strand). VCF-style: chr12-122473513-T-C. GRCh37 (hg19) VCF-style: chr12-122958060-T-C.
Other names: c.1877A>G, p.Lys626Arg (NM_001350935.2); c.1811A>G, p.Lys604Arg (NM_001350936.2); c.1394A>G, p.Lys465Arg (NM_001350937.2, NM_001350938.2); short protein forms K465R, K604R, K626R, K703R.
Identifiers: ClinVar variation 4798329 (VCV004798329.1).

ClinVar aggregate classification (germline): Uncertain significance (1 of 4 stars; one submission).

Submission:

Labcorp Genetics (formerly Invitae), Labcorp
Classification: Uncertain significance. Last evaluated: 2025-10-14. Review status: criteria provided, single submitter. Criteria: Invitae Variant Classification Sherloc (09022015). Collection method: clinical testing. Allele origin: germline.
Comment: This sequence change replaces lysine, which is basic and polar, with arginine, which is basic and polar, at codon 703 of the ZCCHC8 protein (p.Lys703Arg). This variant is not present in population databases (gnomAD no frequency). This variant has not been reported in the literature in individuals affected with ZCCHC8-related conditions. Invitae Evidence Modeling of protein sequence and biophysical properties (such as structural, functional, and spatial information, amino acid conservation, physicochemical variation, residue mobility, and thermodynamic stability) indicates that this missense variant is expected to disrupt ZCCHC8 protein function with a positive predictive value of 80%. In summary, the available evidence is currently insufficient to determine the role of this variant in disease. Therefore, it has been classified as a Variant of Uncertain Significance.